The following is an entry in ClinVar:

ClinVar aggregate classification (germline): Pathogenic (1 of 4 stars; one submission).

Submission:

Labcorp Genetics (formerly Invitae), Labcorp
Classification: Pathogenic. Last evaluated: 2022-06-10. Review status: criteria provided, single submitter. Criteria: Invitae Variant Classification Sherloc (09022015). Collection method: clinical testing. Allele origin: germline.
Comment: For these reasons, this variant has been classified as Pathogenic. This variant has not been reported in the literature in individuals affected with ELP1-related conditions. This variant is not present in population databases (gnomAD no frequency). This sequence change creates a premature translational stop signal (p.Thr654Lysfs*12) in the ELP1 gene. It is expected to result in an absent or disrupted protein product. Loss-of-function variants in ELP1 are known to be pathogenic (PMID: 18303054, 24173031).

Literature cited by the submitters: PubMed 18303054; PubMed 24173031.

NM_003640.5(ELP1):c.1961del (p.Thr654fs)

Gene: ELP1 (elongator acetyltransferase complex subunit 1; minus strand). Cytogenetic location: 9q31.3.
Variant type: Deletion.
Coding change: c.1961del on transcript NM_003640.5 (MANE Select); coding-DNA position 1961, one base deleted (C; older notation c.1961delC).
Protein change: p.Thr654fs; shifts the reading frame from threonine 654.
Molecular consequence: frameshift variant.
Genome position (GRCh38, 1-based): chr9:108,901,478, G deleted on the plus strand (C on the coding strand, the reverse complement: ELP1 is on the minus strand). VCF-style (leftmost placement, unchanged base first): chr9-108901477-TG-T. GRCh37 (hg19) VCF-style: chr9-111663757-TG-T.
Other names: c.1619del, p.Thr540fs (NM_001318360.2); c.914del, p.Thr305fs (NM_001330749.2); short protein forms T540fs, T305fs, T654fs.
Identifiers: ClinVar variation 2004156 (VCV002004156.4), dbSNP rs2537902441, ClinGen allele CA2580079352.
Genomic context (GRCh38, chr9:108,901,477, plus strand): 5'-AAACTTACTTTTAAATGAAGCATCCCTCAGGCAAAAACACTGGCAGGTATGGGAATGGGT[TG>T]TCAACAATAAAAACTCATCATATACTGCAAATGACGTGATATTTGACGCAACCTGCAAGA-3'